The following is an entry in ClinVar:

ClinVar aggregate classification (germline): Uncertain significance (1 of 4 stars; one submission).

Conditions:
Hereditary cancer-predisposing syndrome. Also called: Neoplastic Syndromes, Hereditary; Tumor predisposition; Hereditary neoplastic syndrome; Hereditary Cancer Syndrome. Identifiers: Orphanet 140162, MedGen C0027672, MeSH D009386, MONDO:0015356.

Submission:

Ambry Genetics
Classification: Uncertain significance for Hereditary cancer-predisposing syndrome. Last evaluated: 2026-07-18. Review status: criteria provided, single submitter. Criteria: Ambry Variant Classification Scheme 2023. Collection method: clinical testing. Allele origin: germline.
Comment: The p.R797M variant (also known as c.2390G>T), located in coding exon 14 of the RAD50 gene, results from a G to T substitution at nucleotide position 2390. The arginine at codon 797 is replaced by methionine, an amino acid with similar properties. This amino acid position is conserved. In addition, this alteration is predicted to be deleterious by in silico analysis. Based on the available evidence, the clinical significance of this variant remains unclear.

NM_005732.4(RAD50):c.2390G>T (p.Arg797Met)

Gene: RAD50 (RAD50 double strand break repair protein; plus strand). Cytogenetic location: 5q31.1.
Variant type: single nucleotide variant.
Coding change: c.2390G>T on transcript NM_005732.4 (MANE Select); coding-DNA position 2390, G replaced by T.
Protein change: p.Arg797Met; replaces arginine 797 with methionine.
Molecular consequence: missense variant.
Genome position (GRCh38, 1-based): chr5:132,603,482, G>T. VCF-style: chr5-132603482-G-T. GRCh37 (hg19) VCF-style: chr5-131939174-G-T.
Other names: short protein forms R797M.
Identifiers: ClinVar variation 5027721 (VCV005027721.1).